The following is an entry in ClinVar:

NM_012199.5(AGO1):c.1133G>A (p.Ser378Asn)

Gene: AGO1 (argonaute RISC component 1; plus strand). Cytogenetic location: 1p34.3.
Variant type: single nucleotide variant.
Coding change: c.1133G>A on transcript NM_012199.5 (MANE Select); coding-DNA position 1133, G replaced by A.
Protein change: p.Ser378Asn; replaces serine 378 with asparagine.
Molecular consequence: missense variant.
Genome position (GRCh38, 1-based): chr1:35,901,586, G>A. VCF-style: chr1-35901586-G-A. GRCh37 (hg19) VCF-style: chr1-36367187-G-A.
Other names: c.1133G>A, p.Ser378Asn (NM_001317122.2); c.908G>A, p.Ser303Asn (NM_001317123.2); short protein forms S303N, S378N.
Identifiers: ClinVar variation 4538597 (VCV004538597.1).
Genomic context (GRCh38, chr1:35,901,586, plus strand): 5'-AGACCTCGACCATGATAAAGGCCACAGCTAGATCCGCTCCAGACAGACAGGAGGAGATCA[G>A]TCGCCTGGTCAGTGGGCCTACTCATTTGCTCAGTCATTGGGGCCATTGGTAGCATAAATG-3'
Protein context (NP_036331.1, residues 368-388): RSAPDRQEEI[Ser378Asn]RLMKNASYNL

ClinVar aggregate classification (germline): Uncertain significance (1 of 4 stars; one submission).

Submission:

GeneDx
Classification: Uncertain significance. Last evaluated: 2025-06-15. Review status: criteria provided, single submitter. Criteria: GeneDx Variant Classification Process June 2021. Collection method: clinical testing. Allele origin: germline. Affected: yes.
Comment: Not observed at significant frequency in large population cohorts (gnomAD); In silico analysis suggests that this missense variant does not alter protein structure/function; Has not been previously published as pathogenic or benign to our knowledge